The following is an entry in ClinVar:

ClinVar aggregate classification (germline): Conflicting classifications of pathogenicity. Review status: criteria provided, conflicting classifications (1 of 4 stars). 9 submissions from 9 submitters: Pathogenic (2); Likely pathogenic (5); Uncertain significance (2). Last evaluated 2026-09-02.

Conditions:
TMPRSS3-related disorder. Also called: TMPRSS3-related condition.
Autosomal recessive nonsyndromic hearing loss 8 (DFNB8). Also called: NEUROSENSORY NONSYNDROMIC RECESSIVE DEAFNESS 8; Deafness, autosomal recessive 10. Identifiers: Orphanet 90636, MedGen C1832827, MONDO:0010987, OMIM 601072.

Allele frequency attached by ClinVar (database versions not stated): gnomAD exomes 0.00005 and 0.00012; ExAC 0.00007; ESP Exome Variant Server 0.00008; gnomAD 0.00008 and 0.00009; TOPMed 0.00008.
gnomAD v4.1: 93 of 1,614,062 alleles (0.0058%); highest among the groups gnomAD compares: East Asian, 0.02%; no homozygotes.

Submissions (10):

PreventionGenetics, part of Exact Sciences
Classification: Likely pathogenic for TMPRSS3-related condition. Last evaluated: 2026-09-02. Review status: criteria provided, single submitter. Criteria: ACMG Guidelines, 2015. Collection method: clinical testing. Allele origin: germline.
Comment: The TMPRSS3 c.326G>A variant is predicted to result in the amino acid substitution p.Arg109Gln. This variant was reported in the compound heterozygous state to a pathogenic variant in two patients with non-syndromic hearing loss (Gu et al 2015. PubMed ID: 24853665; Internal data, PreventionGenetics) and together with a second TMPRSS3 variant (phase unknown) in an individual with post-lingual hearing loss (Table S5, Rim et al. 2021. PubMed ID: 34519870). This variant was also observed in an another individual with post-lingual hearing loss, however information about presence or absence of a second TMPRSS3 variant was not provided (Table S4, Quaio et al. 2022. PubMed ID: 36147510). An alternative variant at the same codon p.Arg109Trp has been reported as pathogenic (Ben-Yosef et al. 2001. PubMed ID: 11424922; Lechowicz et al. 2017. PubMed ID: 28566687; Table S1, Safka Brozkova et al. 2020. PubMed ID: 32860223; Moon et al. 2021. PubMed ID: 34868270). This variant p.Arg109Gln is reported in 0.037% of alleles in individuals of Latino descent in gnomAD. This variant is interpreted as likely pathogenic.

Labcorp Genetics (formerly Invitae), Labcorp
Classification: Pathogenic. Last evaluated: 2026-01-26. Review status: criteria provided, single submitter. Criteria: Invitae Variant Classification Sherloc (09022015). Collection method: clinical testing. Allele origin: germline.
Comment: This sequence change replaces arginine, which is basic and polar, with glutamine, which is neutral and polar, at codon 109 of the TMPRSS3 protein (p.Arg109Gln). This variant is present in population databases (rs139484231, gnomAD 0.03%). This missense change has been observed in individual(s) with sensorineural deafness (PMID: 24853665; internal data). In at least one individual the data is consistent with being in trans (on the opposite chromosome) from a pathogenic variant. ClinVar contains an entry for this variant (Variation ID: 197857). Invitae Evidence Modeling of protein sequence and biophysical properties (such as structural, functional, and spatial information, amino acid conservation, physicochemical variation, residue mobility, and thermodynamic stability) indicates that this missense variant is expected to disrupt TMPRSS3 protein function with a positive predictive value of 80%. Algorithms developed to predict the effect of sequence changes on RNA splicing suggest that this variant may create or strengthen a splice site. This variant disrupts the p.Arg109 amino acid residue in TMPRSS3. Other variant(s) that disrupt this residue have been determined to be pathogenic (PMID: 11424922, 12920079, 28566687). This suggests that this residue is clinically significant, and that variants that disrupt this residue are likely to be disease-causing. For these reasons, this variant has been classified as Pathogenic.

Department of Otolaryngology-Head and Neck Surgery, Shanghai Jiao Tong University Affiliated Sixth People’s Hospital
Classification: Likely pathogenic for Autosomal recessive nonsyndromic hearing loss 8. Last evaluated: 2026-01-10. Review status: criteria provided, single submitter. Criteria: ACMG Guidelines, 2015. Collection method: provider interpretation. Allele origin: germline. Inheritance: Autosomal recessive inheritance. Affected: yes. Observed: 1 variant allele, 1 compound heterozygote.
Comment: Variant: TMPRSS3:NM_001256317.3:c.326G>A(p.Arg109Gln) Pathogenicity evidence: 1. PM2_supporting: The variant is absent or present at an extremely low frequency in the normal control population of the gnomAD database, where the variant frequency in the East Asian control population is 0.00027. 2. PM3: For autosomal recessive nonsyndromic hearing loss 8, pathogenic or likely pathogenic variants in trans configuration were identified in one proband and one previously reported patient (PubMed ID: 24853665). 3. PM5: A missense variant at the same genomic position (c.325C>T, p.Arg109Trp) leading to amino acid substitution has been verified as pathogenic (PMID: 11424922, 12920079, 28566687). 4. PS3_moderate: Recent functional experimental data (SCV006963198.1) submitted by the Peter K. Rogan Laboratory at Western University indicates that this variant, though located in an exon, is not a typical missense variant but an exonic variant with splicing impact. Its pathogenic mechanism involves the activation of a cryptic splice acceptor site, which causes abnormal intron retention and may ultimately result in loss of gene function. The experimental data was derived from human gastric adenocarcinoma tissue samples.. 5. Pathogenicity classification in databases: This variant is classified as Pathogenic (P) in the HGMD, DVD and CDGC databases. 6. In Silico prediction: The prediction result was 9/25/3 (pathogenic/uncertain significance/benign) based on in silico analysis tools. Based on the ACMG, this variant is classified as a likely pathogenic variant.

Fulgent Genetics
Classification: Likely pathogenic for Autosomal recessive nonsyndromic hearing loss 8. Last evaluated: 2024-03-01. Review status: criteria provided, single submitter. Criteria: ACMG Guidelines, 2015. Collection method: clinical testing. Allele origin: germline.

Blueprint Genetics
Classification: Pathogenic for TMPRSS3-related disorders. Last evaluated: 2021-07-05. Review status: criteria provided, single submitter. Criteria: ACMG Guidelines, 2015. Collection method: clinical testing. Allele origin: germline. Affected: yes. Observed: 5 variant alleles.

GeneDx
Classification: Likely pathogenic. Last evaluated: 2017-05-18. Review status: criteria provided, single submitter. Criteria: GeneDx Variant Classification (06012015). Collection method: clinical testing. Allele origin: germline. Affected: yes.
Comment: The R109Q variant in the TMPRSS3 gene has been reported previously in the compound heterozygous state in an individual with moderate non-syndromic hearing loss (Gu et al., 2015). The R109Q variant is a semi-conservative amino acid substitution, which may impact secondary protein structure as these residues differ in some properties. This substitution occurs at a position that is conserved across species. In silico analysis is inconsistent in its predictions as to whether or not the variant is damaging to the protein structure/function. A different missense variant at this residue (R109W) has been reported in the Human Gene Mutation Database in association with non-syndromic hearing loss (Stenson et al., 2014), supporting the functional importance of this region of the protein. The R109Q variant is not observed at a significant frequency in large population cohorts (Lek et al., 2016; 1000 Genomes Consortium et al., 2015; Exome Variant Server). We interpret R109Q as a likely pathogenic variant.

Illumina Laboratory Services, Illumina
Classification: Uncertain significance for Autosomal recessive nonsyndromic hearing loss 8. Last evaluated: 2017-04-27. Review status: criteria provided, single submitter. Criteria: ICSL Variant Classification Criteria 13 December 2019. Collection method: clinical testing. Allele origin: germline.

Eurofins Ntd Llc (ga)
Classification: Uncertain significance. Last evaluated: 2014-12-10. Review status: criteria provided, single submitter. Criteria: EGL Classification Definitions 2015. Collection method: clinical testing. Allele origin: germline. Observed: 1 variant allele, 1 heterozygote.

Juno Genomics, Hangzhou Juno Genomics, Inc
Classification: Likely pathogenic for Autosomal recessive nonsyndromic hearing loss 8. Review status: criteria provided, single submitter. Criteria: ACMG Guidelines, 2015. Collection method: clinical testing. Allele origin: germline.
Comment: Absent from controls (or at extremely low frequency if recessive) in Genome Aggregation Database.;Multiple lines of computational evidence support a deleterious effect on the gene or gene product.;Novel missense change at an amino acid residue where a different missense change determined to be pathogenic has been seen before.;For recessive disorders, detected in trans with a pathogenic variant.;Patient's phenotype or family history is highly specific for a disease with a single genetic etiology.

Dr. Peter K. Rogan Lab, Western University
No classification provided (evidence only). Condition: Gastric cancer. Review status: no classification provided. Collection method: in vitro. Allele origin: not applicable. Functional consequence: retained intron. Not counted in ClinVar's aggregate classification.

Literature cited by the submitters: PubMed 24853665 (cited by Labcorp Genetics (formerly Invitae), Labcorp and Department of Otolaryngology-Head and Neck Surgery, Shanghai Jiao Tong University Affiliated Sixth People’s Hospital); PubMed 11424922 (cited by Labcorp Genetics (formerly Invitae), Labcorp and Department of Otolaryngology-Head and Neck Surgery, Shanghai Jiao Tong University Affiliated Sixth People’s Hospital); PubMed 12920079 (cited by Labcorp Genetics (formerly Invitae), Labcorp and Department of Otolaryngology-Head and Neck Surgery, Shanghai Jiao Tong University Affiliated Sixth People’s Hospital); PubMed 28566687 (cited by Labcorp Genetics (formerly Invitae), Labcorp and Department of Otolaryngology-Head and Neck Surgery, Shanghai Jiao Tong University Affiliated Sixth People’s Hospital).

NM_001256317.3(TMPRSS3):c.326G>A (p.Arg109Gln)

Gene: TMPRSS3 (transmembrane serine protease 3; minus strand). Cytogenetic location: 21q22.3.
Variant type: single nucleotide variant.
Coding change: c.326G>A on transcript NM_001256317.3 (MANE Select); coding-DNA position 326, G replaced by A.
Protein change: p.Arg109Gln; replaces arginine 109 with glutamine.
Molecular consequence: missense variant. On other transcripts: 5 prime UTR variant (1).
Genome position (GRCh38, 1-based): chr21:42,388,523, C>T on the plus strand (G>A on the coding strand, the complement: TMPRSS3 is on the minus strand). VCF-style: chr21-42388523-C-T. GRCh37 (hg19) VCF-style: chr21-43808632-C-T.
Other names: c.326G>A, p.Arg109Gln (NM_024022.4, NM_032405.2); c.-56G>A (NM_032404.3); c.326G>A (NM_024022.3); short protein forms R109Q.
Identifiers: ClinVar variation 197857 (VCV000197857.24), dbSNP rs139484231, ClinGen allele CA246239.